The following is an entry in ClinVar:

NM_020975.6(RET):c.1860C>T (p.Cys620=)

Gene: RET (ret proto-oncogene; plus strand). Cytogenetic location: 10q11.21.
Variant type: single nucleotide variant.
Coding change: c.1860C>T on transcript NM_020975.6 (MANE Select); coding-DNA position 1860, C replaced by T.
Protein change: p.Cys620=; no amino-acid change (cysteine 620 retained).
Molecular consequence: synonymous variant. On other transcripts: intron variant (2).
Genome position (GRCh38, 1-based): chr10:43,113,656, C>T. VCF-style: chr10-43113656-C-T. GRCh37 (hg19) VCF-style: chr10-43609104-C-T.
Other names: c.1860C>T, p.Cys620= (NM_000323.2, NM_001406743.1, NM_001406744.1 and 6 more transcripts); c.1098C>T, p.Cys366= (NM_001355216.2); c.1731C>T, p.Cys577= (NM_001406761.1, NM_001406762.1, NM_001406764.1 and 1 more transcripts); c.1572C>T, p.Cys524= (NM_001406766.1, NM_001406767.1, NM_001406770.1); c.1464C>T, p.Cys488= (NM_001406769.1, NM_001406772.1); c.1422C>T, p.Cys474= (NM_001406771.1, NM_001406773.1); c.1335C>T, p.Cys445= (NM_001406774.1); c.1134C>T, p.Cys378= (NM_001406775.1, NM_001406776.1, NM_001406777.1 and 1 more transcripts); and 7 more.
Identifiers: ClinVar variation 549782 (VCV000549782.55), dbSNP rs79890926, ClinGen allele CA035823.

ClinVar aggregate classification (germline): Conflicting classifications of pathogenicity. Review status: criteria provided, conflicting classifications (1 of 4 stars). 7 submissions from 7 submitters: Uncertain significance (2); Benign (1); Likely benign (3). 1 of the submissions does not count toward it. Last evaluated 2025-10-14.

Conditions:
Multiple endocrine neoplasia type 2A. Also called: MULTIPLE ENDOCRINE NEOPLASIA, TYPE IIA; PTC SYNDROME; SIPPLE SYNDROME; MEN 2A; MEN-2A syndrome; Pheochromocytoma and amyloid producing medullary thyroid carcinoma. Identifiers: Orphanet 247698, Orphanet 653, MedGen C0025268, MeSH D018813, MONDO:0008234, OMIM 171400.
Hereditary cancer-predisposing syndrome. Also called: Neoplastic Syndromes, Hereditary; Hereditary Cancer Syndrome; Tumor predisposition; Hereditary neoplastic syndrome. Identifiers: Orphanet 140162, MedGen C0027672, MeSH D009386, MONDO:0015356.
Pheochromocytoma. Also called: MAX-Related Hereditary Paraganglioma-Pheochromocytoma Syndrome. Identifiers: Orphanet 29072, MedGen C0031511, MONDO:0008233, OMIM 171300, HP:0002666.
Familial medullary thyroid carcinoma (MTC). Also called: Thyroid cancer, familial medullary; MTC, familial; Familial Medullary Thyroid Carcinoma (FMTC). Identifiers: Orphanet 653, Orphanet 99361, MedGen C1833921, MONDO:0007958, OMIM 155240.
Multiple endocrine neoplasia type 2B. Also called: Multiple endocrine neoplasia, type 3; MULTIPLE ENDOCRINE NEOPLASIA, TYPE IIB; MUCOSAL NEUROMA SYNDROME; MEN 2B; Multiple Endocrine Neoplasia Type 2B (MEN2B); MEN IIB. Identifiers: Orphanet 247709, Orphanet 653, MedGen C0025269, MeSH D018814, MONDO:0008082, OMIM 162300.
Hirschsprung disease, susceptibility to, 1 (HSCR1). Also called: RET-Related Hirschsprung Disease. Identifiers: Orphanet 388, MedGen C3888239, MONDO:0007723, OMIM 142623.
RET-related disorder. Also called: RET-related disorders; RET-related condition; RET-related disease.
Multiple endocrine neoplasia, type 2 (MEN2). Identifiers: Orphanet 653, MedGen C4048306, MONDO:0019003. Disease mechanism: gain of function.

Allele frequency attached by ClinVar (database versions not stated): ExAC 0.00001; gnomAD exomes 0.00001 and 0.00002; TOPMed 0.00001.
gnomAD v4.1: 13 of 1,613,224 alleles (0.00081%); highest among the groups gnomAD compares: Admixed American, 0.0033%; no homozygotes.

Submissions (7):

Labcorp Genetics (formerly Invitae), Labcorp
Classification: Likely benign for Multiple endocrine neoplasia, type 2. Last evaluated: 2025-10-14. Review status: criteria provided, single submitter. Criteria: Invitae Variant Classification Sherloc (09022015). Collection method: clinical testing. Allele origin: germline.

Myriad Genetics, Inc.
Classification: Benign for Multiple endocrine neoplasia type 2A. Last evaluated: 2025-02-26. Review status: criteria provided, single submitter. Criteria: Myriad Autosomal Dominant, Autosomal Recessive and X-Linked Classification Criteria (2023). Collection method: clinical testing. Allele origin: unknown.
Comment: This variant is considered benign. This variant is a silent/synonymous amino acid change and it is not expected to impact splicing.

Color Diagnostics, LLC DBA Color Health
Classification: Likely benign for Multiple endocrine neoplasia, type 2. Last evaluated: 2024-06-20. Review status: criteria provided, single submitter. Criteria: ACMG Guidelines, 2015. Collection method: clinical testing. Allele origin: germline.

Fulgent Genetics
Classification: Uncertain significance for Hirschsprung disease, susceptibility to, 1; Familial medullary thyroid carcinoma; Multiple endocrine neoplasia type 2B; Pheochromocytoma; Multiple endocrine neoplasia type 2A. Last evaluated: 2024-02-29. Review status: criteria provided, single submitter. Criteria: ACMG Guidelines, 2015. Collection method: clinical testing. Allele origin: germline.

Sema4
Classification: Uncertain significance for Hereditary cancer-predisposing syndrome. Last evaluated: 2021-10-08. Review status: criteria provided, single submitter. Criteria: Sema4 Curation Guidelines. Collection method: curation. Allele origin: germline.
Comment: The RET c.1860C>T (p.C620=) variant has been reported in heterozygosity in at least one individual with medullary thyroid cancer and a pheochromocytoma (PMID: 28946813). It was observed in 1/34416 chromosomes of the Latino subpopulation in the large and broad cohorts of the Genome Aggregation Database (PMID: 32461654). The variant has been reported in ClinVar (Variation ID 549782). In silico tools suggest that the variant may create or strengthen a cryptic splice site, though these predictions have not been confirmed by functional studies. The evidence is insufficient to meet ACMG/AMP criteria for classifying the variant as benign or pathogenic. Thus, the clinical significance of this variant is currently uncertain.

Ambry Genetics
Classification: Likely benign for Hereditary cancer-predisposing syndrome. Last evaluated: 2019-12-18. Review status: criteria provided, single submitter. Criteria: Ambry Variant Classification Scheme 2023. Collection method: clinical testing. Allele origin: germline.

PreventionGenetics, part of Exact Sciences
Classification: Likely benign for RET-related condition. Last evaluated: 2024-06-04. Review status: no assertion criteria provided. Collection method: clinical testing. Allele origin: germline. Not counted in ClinVar's aggregate classification.
Comment: This variant is classified as likely benign based on ACMG/AMP sequence variant interpretation guidelines (Richards et al. 2015 PMID: 25741868, with internal and published modifications).

Literature cited by the submitters: PubMed 28946813 (cited by Sema4).